The following is an entry in ClinVar:

ClinVar aggregate classification (germline): Pathogenic/Likely pathogenic. Review status: criteria provided, multiple submitters, no conflicts (2 of 4 stars). 2 submissions from 2 submitters: Pathogenic (1); Likely pathogenic (1). Last evaluated 2024-09-13.

Conditions:
Hereditary cancer-predisposing syndrome. Also called: Neoplastic Syndromes, Hereditary; Tumor predisposition; Hereditary Cancer Syndrome; Hereditary neoplastic syndrome. Identifiers: Orphanet 140162, MedGen C0027672, MeSH D009386, MONDO:0015356.

Submissions (2):

Labcorp Genetics (formerly Invitae), Labcorp
Classification: Pathogenic. Last evaluated: 2024-09-13. Review status: criteria provided, single submitter. Criteria: Invitae Variant Classification Sherloc (09022015). Collection method: clinical testing. Allele origin: germline.
Comment: This sequence change replaces arginine, which is basic and polar, with threonine, which is neutral and polar, at codon 160 of the FH protein (p.Arg160Thr). This variant is not present in population databases (gnomAD no frequency). This missense change has been observed in individual(s) with clinical features of hereditary leiomyomatosis and renal cell cancer (external communication). ClinVar contains an entry for this variant (Variation ID: 2116358). Invitae Evidence Modeling of protein sequence and biophysical properties (such as structural, functional, and spatial information, amino acid conservation, physicochemical variation, residue mobility, and thermodynamic stability) indicates that this missense variant is expected to disrupt FH protein function with a positive predictive value of 95%. This variant disrupts the p.Arg160 amino acid residue in FH. Other variant(s) that disrupt this residue have been determined to be pathogenic (PMID: 15937070; internal data). This suggests that this residue is clinically significant, and that variants that disrupt this residue are likely to be disease-causing. For these reasons, this variant has been classified as Pathogenic.

Ambry Genetics
Classification: Likely pathogenic for Hereditary cancer-predisposing syndrome. Last evaluated: 2024-09-11. Review status: criteria provided, single submitter. Criteria: Ambry Variant Classification Scheme 2023. Collection method: clinical testing. Allele origin: germline.
Comment: The p.R160T variant (also known as c.479G>C), located in coding exon 4 of the FH gene, results from a G to C substitution at nucleotide position 479. The arginine at codon 160 is replaced by threonine, an amino acid with similar properties. This variant has been observed in at least one individual with a personal and/or family history that is consistent with FH-associated disease (Ambry internal data). This variant is considered to be rare based on population cohorts in the Genome Aggregation Database (gnomAD). This amino acid position is highly conserved in available vertebrate species. In addition, this alteration is predicted to be deleterious by in silico analysis. Based on the majority of available evidence to date, this variant is likely to be pathogenic.

Literature cited by the submitters: PubMed 15937070 (cited by Labcorp Genetics (formerly Invitae), Labcorp).

NM_000143.4(FH):c.479G>C (p.Arg160Thr)

Gene: FH (fumarate hydratase; minus strand). Cytogenetic location: 1q43.
Variant type: single nucleotide variant.
Coding change: c.479G>C on transcript NM_000143.4 (MANE Select); coding-DNA position 479, G replaced by C.
Protein change: p.Arg160Thr; replaces arginine 160 with threonine.
Molecular consequence: missense variant.
Genome position (GRCh38, 1-based): chr1:241,512,043, C>G on the plus strand (G>C on the coding strand, the complement: FH is on the minus strand). VCF-style: chr1-241512043-C-G. GRCh37 (hg19) VCF-style: chr1-241675343-C-G.
Other names: short protein forms R160T.
Identifiers: ClinVar variation 2116358 (VCV002116358.6), dbSNP rs2527332608, ClinGen allele CA345440012.